The following is an entry in ClinVar:

GRCh37/hg19 11q24.3-25(chr11:129534179-134938470)x1

Genes: ACAD8 (acyl-CoA dehydrogenase family member 8; plus strand), ADAMTS15 (ADAM metallopeptidase with thrombospondin type 1 motif 15; plus strand), ADAMTS8 (ADAM metallopeptidase with thrombospondin type 1 motif 8; minus strand), APLP2 (amyloid beta precursor like protein 2; plus strand), B3GAT1 (beta-1,3-glucuronyltransferase 1; minus strand) and 19 more. Cytogenetic location: 11q24.3-25.
Variant type: copy number loss.
Change: copy number 1 (one copy instead of two) of chr11:129,534,179-134,938,470 (5.40 Mb, GRCh37 coordinates, 1-based), cytogenetic band 11q24.3-25.
Identifiers: ClinVar variation 4682791 (VCV004682791.1).

ClinVar aggregate classification (germline): Likely pathogenic (1 of 4 stars; one submission).

Submission:

Quest Diagnostics Nichols Institute San Juan Capistrano
Classification: Likely pathogenic. Last evaluated: 2024-12-13. Review status: criteria provided, single submitter. Criteria: ACMG/ClinGen CNV Guidelines, 2019. Collection method: clinical testing. Allele origin: unknown.
Comment: This terminal 11q24.3q25 deletion involves at least 21 protein-coding genes. Larger deletions involving 11q24.3q25 are associated with Jacobsen Syndrome (OMIM 147791). This current interval includes a cluster of genes suspected to cause a “partial” form of Jacobsen syndrome (Bernaciak 2008, Firth 2009, Ji 2010, Keppler-Noreuil 2007, Wu 2010). There are no similar copy number losses of this region in the general populations of the Database of Genomic Variants. Thus, this copy number variant (CNV) is classified as likely pathogenic. References: Bernaciak et al., Am J Med Genet A. 2008 Oct 1;146A(19):2449-54. PMID: 18792974 Firth et al., Am J Hum Genet. 2009 Apr;84(4):524-33. PMID: 19344873 Ji et al., J Hum Genet. 2010 Aug;55(8):486-9. PMID: 20520618 Keppler-Noreuil et al., Am J Med Genet A. 2007 Nov 1;143A(21):2581-7. PMID: 17935251 Wu et al., BMC Med Genet. 2010 May 11:11:72. PMID: 20459802